The following is an entry in ClinVar:

NM_018972.4(GDAP1):c.549del (p.Ala184fs)

Gene: GDAP1 (ganglioside induced differentiation associated protein 1; plus strand). Cytogenetic location: 8q21.11.
Variant type: Deletion.
Coding change: c.549del on transcript NM_018972.4 (MANE Select); coding-DNA position 549, one base deleted (A; older notation c.549delA).
Protein change: p.Ala184fs; shifts the reading frame from alanine 184.
Molecular consequence: frameshift variant.
Genome position (GRCh38, 1-based): chr8:74,361,948, A deleted; the last of 2 consecutive A bases (chr8:74,361,947-74,361,948); deleting either gives the same sequence. VCF-style (leftmost placement, unchanged base first): chr8-74361946-GA-G. GRCh37 (hg19) VCF-style: chr8-75274181-GA-G.
Other names: c.345del, p.Ala116fs (NM_001040875.4); c.222del, p.Ala75fs (NM_001362929.2, NM_001362932.2); c.375del, p.Ala126fs (NM_001362930.2); c.549del, p.Ala184fs (NM_001362931.2); short protein forms A116fs, A126fs, A75fs, A184fs.
Identifiers: ClinVar variation 2099188 (VCV002099188.4), dbSNP rs2536745244, ClinGen allele CA2580078947.

ClinVar aggregate classification (germline): Pathogenic (1 of 4 stars; one submission).

Conditions:
Charcot-Marie-Tooth disease type 4A. Also called: Charcot-Marie-Tooth disease, demyelinating, autosomal recessive, type 4a. Identifiers: Orphanet 99948, MedGen C1859198, MONDO:0008961, OMIM 214400.

Submission:

Labcorp Genetics (formerly Invitae), Labcorp
Classification: Pathogenic for Charcot-Marie-Tooth disease type 4A. Last evaluated: 2023-06-30. Review status: criteria provided, single submitter. Criteria: Invitae Variant Classification Sherloc (09022015). Collection method: clinical testing. Allele origin: germline.
Comment: For these reasons, this variant has been classified as Pathogenic. ClinVar contains an entry for this variant (Variation ID: 2099188). This variant has not been reported in the literature in individuals affected with GDAP1-related conditions. This variant is not present in population databases (gnomAD no frequency). This sequence change creates a premature translational stop signal (p.Ala184Hisfs*22) in the GDAP1 gene. It is expected to result in an absent or disrupted protein product. Loss-of-function variants in GDAP1 are known to be pathogenic (PMID: 11743580).

Literature cited by the submitters: PubMed 11743580.